The following is an entry in ClinVar:

NM_001267550.2(TTN):c.14308_14315del (p.Tyr4770fs)

Gene: TTN (titin; minus strand). Cytogenetic location: 2q31.2.
Variant type: Deletion.
Coding change: c.14308_14315del on transcript NM_001267550.2 (MANE Select); coding-DNA positions 14308 to 14315, 8 bases deleted (TATACATG; older notation c.14308_14315delTATACATG).
Protein change: p.Tyr4770fs; shifts the reading frame from tyrosine 4770.
Molecular consequence: frameshift variant.
Genome position (GRCh38, 1-based): chr2:178,738,138-178,738,145, CATGTATA deleted on the plus strand (TATACATG on the coding strand, the reverse complement: TTN is on the minus strand); deleting any 8 consecutive bases within chr2:178,738,138-178,738,146 gives the same sequence; the c. name uses the placement nearest the transcript's 3' end. VCF-style (leftmost placement, unchanged base first): chr2-178738137-GCATGTATA-G. GRCh37 (hg19) VCF-style: chr2-179602864-GCATGTATA-G.
Other names: c.13357_13364del, p.Tyr4453fs (NM_001256850.1); c.13219_13226del, p.Tyr4407fs (NM_003319.4); c.10576_10583del, p.Tyr3526fs (NM_133378.4); c.13594_13601del, p.Tyr4532fs (NM_133432.3); c.13795_13802del, p.Tyr4599fs (NM_133437.4); short protein forms Y3526fs, Y4407fs, Y4453fs, Y4532fs, Y4599fs, Y4770fs.
Identifiers: ClinVar variation 3760020 (VCV003760020.2).

ClinVar aggregate classification (germline): Likely pathogenic (1 of 4 stars; one submission).

Conditions:
Dilated cardiomyopathy 1G (CMD1G). Identifiers: Orphanet 154, MedGen C1858763, MONDO:0011400, OMIM 604145.
Autosomal recessive limb-girdle muscular dystrophy type 2J (LGMDR10). Also called: Limb-girdle muscular dystrophy, type 2J; MUSCULAR DYSTROPHY, LIMB-GIRDLE, AUTOSOMAL RECESSIVE 10. Identifiers: Orphanet 140922, MedGen C1837342, MONDO:0012127, OMIM 608807.

Submission:

Labcorp Genetics (formerly Invitae), Labcorp
Classification: Likely pathogenic for Dilated cardiomyopathy 1G; Autosomal recessive limb-girdle muscular dystrophy type 2J. Last evaluated: 2024-12-25. Review status: criteria provided, single submitter. Criteria: Invitae Variant Classification Sherloc (09022015). Collection method: clinical testing. Allele origin: germline.
Comment: This sequence change creates a premature translational stop signal (p.Tyr4770Glnfs*5) in the TTN gene. While this is not anticipated to result in nonsense mediated decay, it is expected to create a truncated TTN protein. This variant is not present in population databases (gnomAD no frequency). This variant has not been observed in the literature in individuals with autosomal recessive TTN-related conditions. This variant has been reported in individual(s) with autosomal dominant dilated cardiomyopathy (internal data); however, the role of the variant in this condition is currently unclear. This variant is located in the I band of TTN (PMID: 25589632). Truncating variants in this region have been reported in individuals affected with autosomal recessive centronuclear myopathy (PMID: 23975875, internal data). Truncating variants in this region have also been identified in individuals affected with autosomal dominant dilated cardiomyopathy and/or cardio-related conditions (PMID: 27869827, 32964742, internal data). In summary, the currently available evidence indicates that the variant is pathogenic, but additional data are needed to prove that conclusively. Therefore, this variant has been classified as Likely Pathogenic.

Literature cited by the submitters: PubMed 25589632; PubMed 23975875; PubMed 27869827; PubMed 32964742.